The following is an entry in ClinVar:

NM_007294.4(BRCA1):c.5153-16_5156delinsAATA

Gene: BRCA1 (BRCA1 DNA repair associated; minus strand). Cytogenetic location: 17q21.31.
Variant type: Indel.
Coding change: c.5153-16_5156delinsAATA on transcript NM_007294.4 (MANE Select); 16 bases into the intron before coding-DNA position 5153 through coding-DNA position 5156, TCTATGATCTCTTTAGGGGT replaced by AATA.
Molecular consequence: splice acceptor variant.
Genome position (GRCh38, 1-based): chr17:43,063,370-43,063,389, ACCCCTAAAGAGATCATAGA replaced by TATT on the plus strand (TCTATGATCTCTTTAGGGGT replaced by AATA on the coding strand, the reverse complement: BRCA1 is on the minus strand). VCF-style: chr17-43063370-ACCCCTAAAGAGATCATAGA-TATT. GRCh37 (hg19) VCF-style: chr17-41215387-ACCCCTAAAGAGATCATAGA-TATT.
Other names: c.1841-16_1844delinsAATA (NM_001407982.1, NM_001407993.1, NM_001407980.1 and 12 more transcripts); c.1910-16_1913delinsAATA (NM_001407970.1, NM_001407971.1); c.5153-16_5156delinsAATA (NM_001407593.1, NM_001407603.1, NM_001407854.1 and 7 more transcripts); c.5150-16_5153delinsAATA (NM_001407621.1, NM_001407618.1, NM_001407613.1 and 17 more transcripts); c.5027-16_5030delinsAATA (NM_001407670.1, NM_001407940.1, NM_001407671.1 and 10 more transcripts); c.1838-16_1841delinsAATA (NM_001408402.1, NM_001408473.1, NM_001408397.1 and 8 more transcripts); c.1724-16_1727delinsAATA (NM_001408424.1, NM_001408423.1, NM_001408421.1 and 1 more transcripts); c.1835-16_1838delinsAATA (NM_001408407.1, NM_001408408.1, NM_001408406.1); and 73 more.
Identifiers: ClinVar variation 141142 (VCV000141142.6), dbSNP rs587781526, ClinGen allele CA164592.
Genomic context (GRCh38, chr17:43,063,370, plus strand): 5'-AGTTTGTAACATCAAGTACTTACCTCATTCAGCATTTTTCTTTCTTTAATAGACTGGGTC[ACCCCTAAAGAGATCATAGA>TATT]AAAGACAGGTTACATACAGCAGAAGAACGTGCTCTTTTCACGGAGATAGAGAGGTCAGCG-3'

ClinVar aggregate classification (germline): Likely pathogenic (1 of 4 stars; one submission).

Conditions:
Hereditary cancer-predisposing syndrome. Also called: Neoplastic Syndromes, Hereditary; Tumor predisposition; Hereditary Cancer Syndrome; Hereditary neoplastic syndrome. Identifiers: Orphanet 140162, MedGen C0027672, MeSH D009386, MONDO:0015356.

Submission:

Ambry Genetics
Classification: Likely pathogenic for Hereditary cancer-predisposing syndrome. Last evaluated: 2025-02-18. Review status: criteria provided, single submitter. Criteria: Ambry Variant Classification Scheme 2023. Collection method: clinical testing. Allele origin: germline.
Comment: The c.5153-16_5156del20insAATA variant results from a deletion of 20 nucleotides and an insertion of 4 nucleotides between positions 5153-16 and 5156 and involves the canonical splice acceptor site before coding exon 17 of the BRCA1 gene. This variant is considered to be rare based on population cohorts in the Genome Aggregation Database (gnomAD). The canonical splice acceptor site is highly conserved in available vertebrate species. In silico splice site analysis predicts that this alteration will weaken the native splice acceptor site, and may result in the creation or strengthening of a novel splice acceptor site; however, the exact impact of this deletion on BRCA1 splicing and function is currently unknown. Alterations that disrupt the canonical splice site are expected to cause aberrant splicing, resulting in an abnormal protein or a transcript that is subject to nonsense-mediated mRNA decay. As such, this alteration is classified as likely pathogenic.